The following is an entry in ClinVar:

ClinVar aggregate classification (germline): Uncertain significance. Review status: criteria provided, multiple submitters, no conflicts (2 of 4 stars). 6 submissions from 6 submitters: Uncertain significance (6). Last evaluated 2026-01-28.

Conditions:
AXIN2-related disorder.
Colorectal cancer. Also called: Malignant Colorectal Neoplasm; Colorectal cancer, somatic. Identifiers: MedGen C0346629, MONDO:0005575, OMIM 114500.
Hereditary cancer-predisposing syndrome. Also called: Neoplastic Syndromes, Hereditary; Tumor predisposition; Hereditary neoplastic syndrome; Hereditary Cancer Syndrome. Identifiers: Orphanet 140162, MedGen C0027672, MeSH D009386, MONDO:0015356.
Oligodontia-cancer predisposition syndrome. Also called: TOOTH AGENESIS-COLORECTAL CANCER SYNDROME. Identifiers: Orphanet 300576, MedGen C1837750, MONDO:0012075, OMIM 608615. Disease mechanism: loss of function.

Allele frequency attached by ClinVar (database versions not stated): gnomAD exomes below 0.00001; ExAC 0.00001; gnomAD 0.00001; TOPMed 0.00003.
gnomAD v4.1: 4 of 1,614,104 alleles (0.00025%); highest among the groups gnomAD compares: African/African-American, 0.0013%; no homozygotes.

Submissions (6):

Labcorp Genetics (formerly Invitae), Labcorp
Classification: Uncertain significance for Oligodontia-cancer predisposition syndrome. Last evaluated: 2026-01-28. Review status: criteria provided, single submitter. Criteria: Invitae Variant Classification Sherloc (09022015). Collection method: clinical testing. Allele origin: germline.
Comment: This sequence change replaces threonine, which is neutral and polar, with isoleucine, which is neutral and non-polar, at codon 735 of the AXIN2 protein (p.Thr735Ile). This variant is not present in population databases (gnomAD no frequency). This variant has not been reported in the literature in individuals affected with AXIN2-related conditions. ClinVar contains an entry for this variant (Variation ID: 652406). An algorithm developed to predict the effect of missense changes on protein structure and function (PolyPhen-2) suggests that this variant is likely to be tolerated. In summary, the available evidence is currently insufficient to determine the role of this variant in disease. Therefore, it has been classified as a Variant of Uncertain Significance.

Quest Diagnostics Nichols Institute San Juan Capistrano
Classification: Uncertain significance. Last evaluated: 2025-08-20. Review status: criteria provided, single submitter. Criteria: Quest Diagnostics criteria. Collection method: clinical testing. Allele origin: unknown.
Comment: The AXIN2 c.2204C>T (p.Thr735Ile) variant has not been reported in individuals with AXIN2-related conditions in the published literature. The frequency of this variant in the general population (Genome Aggregation Database) is uninformative in the assessment of its pathogenicity. Analysis of this variant using bioinformatics tools for the prediction of the effect of amino acid changes on protein structure and function yielded predictions that this variant is benign. Based on the available information, we are unable to determine the clinical significance of this variant.

PreventionGenetics, part of Exact Sciences
Classification: Uncertain significance for AXIN2-related condition. Last evaluated: 2025-07-31. Review status: criteria provided, single submitter. Criteria: ACMG Guidelines, 2015. Collection method: clinical testing. Allele origin: germline.
Comment: The AXIN2 c.2204C>T variant is predicted to result in the amino acid substitution p.Thr735Ile. To our knowledge, this variant has not been reported in the literature or in gnomAD, indicating this variant is rare. This variant has been classified as a variant of uncertain significance in ClinVar (Variation ID: 652406). At this time, the clinical significance of this variant is uncertain due to the absence of conclusive functional and genetic evidence.

Ambry Genetics
Classification: Uncertain significance for Hereditary cancer-predisposing syndrome. Last evaluated: 2025-06-03. Review status: criteria provided, single submitter. Criteria: Ambry Variant Classification Scheme 2023. Collection method: clinical testing. Allele origin: germline.

GeneDx
Classification: Uncertain significance. Last evaluated: 2024-02-20. Review status: criteria provided, single submitter. Criteria: GeneDx Variant Classification Process June 2021. Collection method: clinical testing. Allele origin: germline. Affected: yes.
Comment: Not observed at significant frequency in large population cohorts (gnomAD); In silico analysis supports that this missense variant does not alter protein structure/function; Has not been previously published as pathogenic or benign to our knowledge

Baylor Genetics
Classification: Uncertain significance for Colorectal cancer. Last evaluated: 2023-10-09. Review status: criteria provided, single submitter. Criteria: ACMG Guidelines, 2015. Collection method: clinical testing. Allele origin: unknown.

NM_004655.4(AXIN2):c.2204C>T (p.Thr735Ile)

Gene: AXIN2 (axin 2; minus strand). Cytogenetic location: 17q24.1.
Variant type: single nucleotide variant.
Coding change: c.2204C>T on transcript NM_004655.4 (MANE Select); coding-DNA position 2204, C replaced by T.
Protein change: p.Thr735Ile; replaces threonine 735 with isoleucine.
Molecular consequence: missense variant.
Genome position (GRCh38, 1-based): chr17:65,535,659, G>A on the plus strand (C>T on the coding strand, the complement: AXIN2 is on the minus strand). VCF-style: chr17-65535659-G-A. GRCh37 (hg19) VCF-style: chr17-63531777-G-A.
Other names: c.2204C>T (LRG_296t1); c.2009C>T, p.Thr670Ile (NM_001363813.1); short protein forms T670I, T735I.
Identifiers: ClinVar variation 652406 (VCV000652406.22), dbSNP rs746350974, ClinGen allele CA8718378.
Genomic context (GRCh38, chr17:65,535,659, plus strand): 5'-TCAGTAATGTCAGGTAAAGACACTCACTCTTCTGGAGCCAGGCTTGGATTGGAGAAGGGT[G>A]TGGCTCCCGTCTGAACAGTGGCCGAATGATTCCTGTCCCTCTGCTGACTGGCCACACAGC-3'
Protein context (NP_004646.3, residues 725-745): NHSATVQTGA[Thr735Ile]PFSNPSLAPE